The following is an entry in ClinVar:

ClinVar aggregate classification (germline): Uncertain significance (1 of 4 stars; one submission).

Conditions:
Hereditary breast ovarian cancer syndrome. Also called: Hereditary breast and ovarian cancer syndrome (HBOC); Hereditary breast and ovarian cancer; Breast and ovarian cancer; Hereditary breast and/or ovarian cancer syndrome; BRCA1- and BRCA2-Associated Hereditary Breast and Ovarian Cancer; Hereditary breast and ovarian cancer syndrome. Identifiers: Orphanet 145, MedGen C0677776, MeSH D061325, MONDO:0003582. Disease mechanism: loss of function.

Submission:

Labcorp Genetics (formerly Invitae), Labcorp
Classification: Uncertain significance for Hereditary breast ovarian cancer syndrome. Last evaluated: 2025-07-14. Review status: criteria provided, single submitter. Criteria: Invitae Variant Classification Sherloc (09022015). Collection method: clinical testing. Allele origin: germline.
Comment: This sequence change replaces arginine, which is basic and polar, with serine, which is neutral and polar, at codon 1845 of the BRCA2 protein (p.Arg1845Ser). This variant is not present in population databases (gnomAD no frequency). This variant has not been reported in the literature in individuals affected with BRCA2-related conditions. Invitae Evidence Modeling of protein sequence and biophysical properties (such as structural, functional, and spatial information, amino acid conservation, physicochemical variation, residue mobility, and thermodynamic stability) indicates that this missense variant is not expected to disrupt BRCA2 protein function with a negative predictive value of 95%. In summary, the available evidence is currently insufficient to determine the role of this variant in disease. Therefore, it has been classified as a Variant of Uncertain Significance.

NM_000059.4(BRCA2):c.5535G>T (p.Arg1845Ser)

Gene: BRCA2 (BRCA2 DNA repair associated; plus strand). Cytogenetic location: 13q13.1.
Variant type: single nucleotide variant.
Coding change: c.5535G>T on transcript NM_000059.4 (MANE Select); coding-DNA position 5535, G replaced by T.
Protein change: p.Arg1845Ser; replaces arginine 1845 with serine.
Molecular consequence: missense variant. On other transcripts: non-coding transcript variant (1), intron variant (2).
Genome position (GRCh38, 1-based): chr13:32,339,890, G>T. VCF-style: chr13-32339890-G-T. GRCh37 (hg19) VCF-style: chr13-32914027-G-T.
Other names: c.5535G>T, p.Arg1845Ser (NM_001406719.1, NM_001406720.1, NM_001432077.1); c.1910-4668G>T (NM_001406721.1); c.425-4668G>T (NM_001406722.1); short protein forms R1845S.
Identifiers: ClinVar variation 4802313 (VCV004802313.1).